The following is an entry in ClinVar:

ClinVar aggregate classification (germline): Uncertain significance (1 of 4 stars; one submission).

Conditions:
Joubert syndrome. Also called: JOUBERT-BOLTSHAUSER SYNDROME; Familial aplasia of the vermis. Identifiers: Orphanet 475, MedGen C5979921, MONDO:0018772.
Meckel-Gruber syndrome. Also called: DYSENCEPHALIA SPLANCHNOCYSTICA; GRUBER SYNDROME; Dysencephalia splachnocystica. Identifiers: Orphanet 564, MedGen C0265215, MONDO:0018921.

Submission:

Labcorp Genetics (formerly Invitae), Labcorp
Classification: Uncertain significance for Joubert syndrome; Meckel-Gruber syndrome. Last evaluated: 2022-05-27. Review status: criteria provided, single submitter. Criteria: Invitae Variant Classification Sherloc (09022015). Collection method: clinical testing. Allele origin: germline.
Comment: This sequence change replaces alanine, which is neutral and non-polar, with proline, which is neutral and non-polar, at codon 1397 of the CC2D2A protein (p.Ala1397Pro). This variant is not present in population databases (gnomAD no frequency). This variant has not been reported in the literature in individuals affected with CC2D2A-related conditions. Advanced modeling of protein sequence and biophysical properties (such as structural, functional, and spatial information, amino acid conservation, physicochemical variation, residue mobility, and thermodynamic stability) performed at Invitae indicates that this missense variant is expected to disrupt CC2D2A protein function. In summary, the available evidence is currently insufficient to determine the role of this variant in disease. Therefore, it has been classified as a Variant of Uncertain Significance.

NM_001378615.1(CC2D2A):c.4189G>C (p.Ala1397Pro)

Genes: CC2D2A (coiled-coil and C2 domain containing 2A; plus strand), FBXL5 (F-box and leucine rich repeat protein 5; minus strand). Cytogenetic location: 4p15.32.
Variant type: single nucleotide variant.
Coding change: c.4189G>C on transcript NM_001378615.1 (MANE Select); coding-DNA position 4189, G replaced by C.
Protein change: p.Ala1397Pro; replaces alanine 1397 with proline.
Molecular consequence: missense variant.
Genome position (GRCh38, 1-based): chr4:15,589,554, G>C. VCF-style: chr4-15589554-G-C. GRCh37 (hg19) VCF-style: chr4-15591177-G-C.
Other names: c.4189G>C, p.Ala1397Pro (NM_001080522.2); c.4042G>C, p.Ala1348Pro (NM_001378617.1); short protein forms A1348P, A1397P.
Identifiers: ClinVar variation 1999332 (VCV001999332.4), dbSNP rs2475127687, ClinGen allele CA356429523.